The following is an entry in ClinVar:

ClinVar aggregate classification (germline): Uncertain significance (1 of 4 stars; one submission).

Conditions:
Hydrocephalus, nonsyndromic, autosomal recessive 2. Also called: Hydrocephalus, congenital, 2, with or without brain or eye anomalies. Identifiers: Orphanet 2185, MedGen C3554691, MONDO:0014085, OMIM 615219.

gnomAD v4.1: 1 of 1,583,832 alleles (0.000063%); highest among the groups gnomAD compares: East Asian, 0.0023%; no homozygotes.

Submission:

Juno Genomics, Hangzhou Juno Genomics, Inc
Classification: Uncertain significance for Hydrocephalus, nonsyndromic, autosomal recessive 2. Review status: criteria provided, single submitter. Criteria: ACMG Guidelines, 2015. Collection method: clinical testing. Allele origin: germline.
Comment: Absent from controls (or at extremely low frequency if recessive) in Genome Aggregation Database.;Multiple lines of computational evidence support a deleterious effect on the gene or gene product.

NM_001378778.1(MPDZ):c.5602-29A>G

Gene: MPDZ (multiple PDZ domain crumbs cell polarity complex component; minus strand). Cytogenetic location: 9p23.
Variant type: single nucleotide variant.
Coding change: c.5602-29A>G on transcript NM_001378778.1 (MANE Select); 29 bases into the intron before coding-DNA position 5602, A replaced by G.
Molecular consequence: intron variant.
Genome position (GRCh38, 1-based): chr9:13,112,175, T>C on the plus strand (A>G on the coding strand, the complement: MPDZ is on the minus strand). VCF-style: chr9-13112175-T-C. GRCh37 (hg19) VCF-style: chr9-13112174-T-C.
Other names: c.5305-29A>G (NM_001375425.1, NM_001375426.1); c.5392-29A>G (NM_001375420.1, NM_001375423.1, NM_001375424.1 and 2 more transcripts); c.5416-29A>G (NM_001375419.1, NM_001261407.2); c.5503-29A>G (NM_001375416.1, NM_001375418.1, NM_001261406.2 and 1 more transcripts); c.5602-29A>G (NM_001330637.2); c.5194-29A>G (NM_001375427.1); c.5515-29A>G (NM_003829.5); c.5701-29A>G (NM_001375413.1).
Identifiers: ClinVar variation 5007405 (VCV005007405.2).